The following is an entry in ClinVar:

NM_001166108.2(PALLD):c.2333G>T (p.Gly778Val)

Genes: CBR4 (carbonyl reductase 4; minus strand), PALLD (palladin, cytoskeletal associated protein; plus strand). Cytogenetic location: 4q32.3.
Variant type: single nucleotide variant.
Coding change: c.2333G>T on transcript NM_001166108.2 (MANE Select); coding-DNA position 2333, G replaced by T.
Protein change: p.Gly778Val; replaces glycine 778 with valine.
Molecular consequence: missense variant.
Genome position (GRCh38, 1-based): chr4:168,898,575, G>T. VCF-style: chr4-168898575-G-T. GRCh37 (hg19) VCF-style: chr4-169819726-G-T.
Other names: c.1136G>T, p.Gly379Val (NM_001166109.2); c.821G>T, p.Gly274Val (NM_001166110.2); c.161G>T, p.Gly54Val (NM_001367567.1, NM_001367569.1); c.212G>T, p.Gly71Val (NM_001367568.1, NM_001367570.1); c.2282G>T, p.Gly761Val (NM_016081.4); short protein forms G761V, G274V, G71V, G379V, G778V, G54V.
Identifiers: ClinVar variation 219755 (VCV000219755.11), dbSNP rs864622234, ClinGen allele CA348912.
Genomic context (GRCh38, chr4:168,898,575, plus strand): 5'-AACAGAGACTCATCAGTGAAATAGAGTACAGGCTAGAAAGGTCTCCTGTGGATGAATCAG[G>T]TGATGAAGTTCAGTATGGAGATGTGCCTGTGGAAAATGGAATGGCACCATTCTTTGAGAT-3'
Protein context (NP_001159580.1, residues 768-788): RLERSPVDES[Gly778Val]DEVQYGDVPV

ClinVar aggregate classification (germline): Uncertain significance. Review status: criteria provided, multiple submitters, no conflicts (2 of 4 stars). 2 submissions from 2 submitters: Uncertain significance (2). Last evaluated 2021-08-23.

Conditions:
Pancreatic adenocarcinoma. Identifiers: MedGen C0281361, MONDO:0006047, HP:0006725.

Allele frequency attached by ClinVar (database versions not stated): gnomAD exomes 0.00001.
gnomAD v4.1: 2 of 1,613,788 alleles (0.00012%); highest among the groups gnomAD compares: Non-Finnish European, 0.00017%; no homozygotes.

Submissions (2):

Ambry Genetics
Classification: Uncertain significance. Last evaluated: 2021-08-23. Review status: criteria provided, single submitter. Criteria: Ambry Variant Classification Scheme 2023. Collection method: clinical testing. Allele origin: germline.
Comment: The p.G761V variant (also known as c.2282G>T), located in coding exon 12 of the PALLD gene, results from a G to T substitution at nucleotide position 2282. The glycine at codon 761 is replaced by valine, an amino acid with dissimilar properties. This amino acid position is conserved. In addition, this alteration is predicted to be tolerated by in silico analysis. Since supporting evidence is limited at this time, the clinical significance of this alteration remains unclear.

Labcorp Genetics (formerly Invitae), Labcorp
Classification: Uncertain significance for Pancreatic adenocarcinoma. Last evaluated: 2020-10-05. Review status: criteria provided, single submitter. Criteria: Invitae Variant Classification Sherloc (09022015). Collection method: clinical testing. Allele origin: germline.
Comment: This variant has not been reported in the literature in individuals with PALLD-related conditions. ClinVar contains an entry for this variant (Variation ID: 219755). In summary, the available evidence is currently insufficient to determine the role of this variant in disease. Therefore, it has been classified as a Variant of Uncertain Significance. Algorithms developed to predict the effect of missense changes on protein structure and function (SIFT, PolyPhen-2, Align-GVGD) all suggest that this variant is likely to be disruptive, but these predictions have not been confirmed by published functional studies and their clinical significance is uncertain. This variant is not present in population databases (ExAC no frequency). This sequence change replaces glycine with valine at codon 274 of the PALLD protein (p.Gly274Val). The glycine residue is highly conserved and there is a moderate physicochemical difference between glycine and valine.